The following is an entry in ClinVar:

ClinVar aggregate classification (germline): Uncertain significance (1 of 4 stars; one submission).

Conditions:
Glucose-6-phosphate transport defect (GSD1B). Also called: Glycogen Storage Disease Type Ib; GSD Ib. Identifiers: Orphanet 364, Orphanet 79259, MedGen C0268146, MONDO:0009288, OMIM 232220.

Allele frequency attached by ClinVar (database versions not stated): ExAC 0.00002; gnomAD exomes 0.00003; TOPMed 0.00004; gnomAD 0.00005.

Submission:

Labcorp Genetics (formerly Invitae), Labcorp
Classification: Uncertain significance for Glucose-6-phosphate transport defect. Last evaluated: 2025-08-29. Review status: criteria provided, single submitter. Criteria: Invitae Variant Classification Sherloc (09022015). Collection method: clinical testing. Allele origin: germline.
Comment: This sequence change replaces arginine, which is basic and polar, with cysteine, which is neutral and slightly polar, at codon 197 of the SLC37A4 protein (p.Arg197Cys). This variant is present in population databases (rs755082955, gnomAD 0.005%). This variant has not been reported in the literature in individuals affected with SLC37A4-related conditions. ClinVar contains an entry for this variant (Variation ID: 2045000). Invitae Evidence Modeling of protein sequence and biophysical properties (such as structural, functional, and spatial information, amino acid conservation, physicochemical variation, residue mobility, and thermodynamic stability) indicates that this missense variant is not expected to disrupt SLC37A4 protein function with a negative predictive value of 80%. In summary, the available evidence is currently insufficient to determine the role of this variant in disease. Therefore, it has been classified as a Variant of Uncertain Significance.

NM_001164277.2(SLC37A4):c.589C>T (p.Arg197Cys)

Gene: SLC37A4 (solute carrier family 37 member 4; minus strand). Cytogenetic location: 11q23.3.
Variant type: single nucleotide variant.
Coding change: c.589C>T on transcript NM_001164277.2 (MANE Select); coding-DNA position 589, C replaced by T.
Protein change: p.Arg197Cys; replaces arginine 197 with cysteine.
Molecular consequence: missense variant.
Genome position (GRCh38, 1-based): chr11:119,027,664, G>A on the plus strand (C>T on the coding strand, the complement: SLC37A4 is on the minus strand). VCF-style: chr11-119027664-G-A. GRCh37 (hg19) VCF-style: chr11-118898374-G-A.
Other names: c.589C>T, p.Arg197Cys (NM_001164278.2, NM_001164280.2, NM_001467.6); c.370C>T, p.Arg124Cys (NM_001164279.2); short protein forms R124C, R197C.
Identifiers: ClinVar variation 2045000 (VCV002045000.3), dbSNP rs755082955, ClinGen allele CA6311806.